The following is an entry in ClinVar:

NM_001008212.2(OPTN):c.1201A>G (p.Asn401Asp)

Gene: OPTN (optineurin; plus strand). Cytogenetic location: 10p13.
Variant type: single nucleotide variant.
Coding change: c.1201A>G on transcript NM_001008212.2 (MANE Select); coding-DNA position 1201, A replaced by G.
Protein change: p.Asn401Asp; replaces asparagine 401 with aspartic acid.
Molecular consequence: missense variant.
Genome position (GRCh38, 1-based): chr10:13,125,998, A>G. VCF-style: chr10-13125998-A-G. GRCh37 (hg19) VCF-style: chr10-13167998-A-G.
Other names: c.1201A>G, p.Asn401Asp (NM_001008211.1, NM_001008213.1, NM_021980.4); short protein forms N401D.
Identifiers: ClinVar variation 2330700 (VCV002330700.3), dbSNP rs1564365390, ClinGen allele CA376029671.

ClinVar aggregate classification (germline): Uncertain significance. Review status: criteria provided, multiple submitters, no conflicts (2 of 4 stars). 2 submissions from 2 submitters: Uncertain significance (2). Last evaluated 2025-12-16.

Conditions:
Primary open angle glaucoma (POAG). Also called: OPTN-related open angle glaucoma. Identifiers: MedGen C0339573, MONDO:0100553, OMIM 137760.
Amyotrophic lateral sclerosis type 12 (ALS12). Also called: AMYOTROPHIC LATERAL SCLEROSIS 12 WITH OR WITHOUT FRONTOTEMPORAL DEMENTIA. Identifiers: Orphanet 803, MedGen C3150692, MONDO:0013264, OMIM 613435.
Glaucoma 1, open angle, E. Identifiers: MedGen C1842026, MONDO:0007665.
Inborn genetic diseases. Identifiers: MedGen C0950123, MeSH D030342.

Allele frequency attached by ClinVar (database versions not stated): gnomAD exomes below 0.00001.
gnomAD v4.1: 2 of 1,612,920 alleles (0.00012%); highest among the groups gnomAD compares: Non-Finnish European, 0.00017%; no homozygotes.

Submissions (2):

Labcorp Genetics (formerly Invitae), Labcorp
Classification: Uncertain significance for Primary open angle glaucoma; Glaucoma 1, open angle, E; Amyotrophic lateral sclerosis type 12. Last evaluated: 2025-12-16. Review status: criteria provided, single submitter. Criteria: Invitae Variant Classification Sherloc (09022015). Collection method: clinical testing. Allele origin: germline.
Comment: This sequence change replaces asparagine, which is neutral and polar, with aspartic acid, which is acidic and polar, at codon 401 of the OPTN protein (p.Asn401Asp). This variant is present in population databases (no rsID available, gnomAD 0.0009%). This variant has not been reported in the literature in individuals affected with OPTN-related conditions. ClinVar contains an entry for this variant (Variation ID: 2330700). Invitae Evidence Modeling of protein sequence and biophysical properties (such as structural, functional, and spatial information, amino acid conservation, physicochemical variation, residue mobility, and thermodynamic stability) indicates that this missense variant is not expected to disrupt OPTN protein function with a negative predictive value of 80%. In summary, the available evidence is currently insufficient to determine the role of this variant in disease. Therefore, it has been classified as a Variant of Uncertain Significance.

Ambry Genetics
Classification: Uncertain significance for Inborn genetic diseases. Last evaluated: 2022-12-01. Review status: criteria provided, single submitter. Criteria: Ambry Variant Classification Scheme 2023. Collection method: clinical testing. Allele origin: germline.